The following is an entry in ClinVar:

ClinVar aggregate classification (germline): Likely benign. Review status: criteria provided, single submitter (1 of 4 stars). 2 submissions from 2 submitters: Likely benign (1). 1 of the submissions does not count toward it. Last evaluated 2026-04-01.

Conditions:
ARF1-related disorder. Also called: ARF1-related condition.

Allele frequency attached by ClinVar (database versions not stated): gnomAD exomes 0.00027; ExAC 0.00108; 1000 Genomes Project 30x 0.00250; gnomAD 0.00263; 1000 Genomes Project 0.00280; TOPMed 0.00311; ESP Exome Variant Server 0.00454.
gnomAD v4.1: 811 of 1,614,074 alleles (0.05%); highest among the groups gnomAD compares: African/African-American, 0.98%; 4 homozygotes.

Submissions (2):

CeGaT Center for Human Genetics Tuebingen
Classification: Likely benign. Last evaluated: 2026-04-01. Review status: criteria provided, single submitter. Criteria: CeGaT Center For Human Genetics Tuebingen Variant Classification Criteria Version 2. Collection method: clinical testing. Allele origin: germline. Affected: yes. Observed: 2 variant alleles.
Comment: ARF1: BP4, BP7

PreventionGenetics, part of Exact Sciences
Classification: Benign for ARF1-related condition. Last evaluated: 2024-03-14. Review status: no assertion criteria provided. Collection method: clinical testing. Allele origin: germline. Not counted in ClinVar's aggregate classification.
Comment: This variant is classified as benign based on ACMG/AMP sequence variant interpretation guidelines (Richards et al. 2015 PMID: 25741868, with internal and published modifications).

NM_001658.4(ARF1):c.441A>G (p.Ser147=)

Genes: ARF1 (ARF GTPase 1; plus strand), LOC126806039 (CDK7 strongly-dependent group 2 enhancer GRCh37_chr1:228284937-228286136; plus strand). Cytogenetic location: 1q42.13.
Variant type: single nucleotide variant.
Coding change: c.441A>G on transcript NM_001658.4 (MANE Select); coding-DNA position 441, A replaced by G.
Protein change: p.Ser147=; no amino-acid change (serine 147 retained).
Molecular consequence: synonymous variant.
Genome position (GRCh38, 1-based): chr1:228,097,908, A>G. VCF-style: chr1-228097908-A-G. GRCh37 (hg19) VCF-style: chr1-228285609-A-G.
Other names: c.441A>G, p.Ser147= (NM_001024226.2, NM_001024227.1, NM_001024228.2).
Identifiers: ClinVar variation 3040346 (VCV003040346.8), dbSNP rs143714855, ClinGen allele CA1429768.